The following is an entry in ClinVar:

ClinVar aggregate classification (germline): Uncertain significance. Review status: criteria provided, multiple submitters, no conflicts (2 of 4 stars). 3 submissions from 3 submitters: Uncertain significance (3). Last evaluated 2023-07-27.

Conditions:
Nemaline myopathy 8 (NEM8). Also called: Nemaline myopathy 8, autosomal recessive. Identifiers: Orphanet 171430, MedGen C3809209, MONDO:0014138, OMIM 615348.
Inborn genetic diseases. Identifiers: MedGen C0950123, MeSH D030342.

Allele frequency attached by ClinVar (database versions not stated): gnomAD exomes 0.00003 and 0.00007; gnomAD 0.00004; ExAC 0.00005; TOPMed 0.00005.

Submissions (3):

GeneDx
Classification: Uncertain significance. Last evaluated: 2023-07-27. Review status: criteria provided, single submitter. Criteria: GeneDx Variant Classification Process June 2021. Collection method: clinical testing. Allele origin: germline. Affected: yes.
Comment: Not observed at significant frequency in large population cohorts (gnomAD); In silico analysis supports that this missense variant does not alter protein structure/function; Has not been previously published as pathogenic or benign to our knowledge

Ambry Genetics
Classification: Uncertain significance for Inborn genetic diseases. Last evaluated: 2022-10-04. Review status: criteria provided, single submitter. Criteria: Ambry Variant Classification Scheme 2023. Collection method: clinical testing. Allele origin: germline.

Labcorp Genetics (formerly Invitae), Labcorp
Classification: Uncertain significance for Nemaline myopathy 8. Last evaluated: 2021-08-25. Review status: criteria provided, single submitter. Criteria: Invitae Variant Classification Sherloc (09022015). Collection method: clinical testing. Allele origin: germline.
Comment: This sequence change replaces glycine with arginine at codon 171 of the KLHL40 protein (p.Gly171Arg). The glycine residue is highly conserved and there is a moderate physicochemical difference between glycine and arginine. This variant is present in population databases (rs199513801, ExAC 0.01%). This variant has not been reported in the literature in individuals affected with KLHL40-related conditions. Algorithms developed to predict the effect of missense changes on protein structure and function are either unavailable or do not agree on the potential impact of this missense change (SIFT: "Deleterious"; PolyPhen-2: "Benign"; Align-GVGD: "Class C0"). Algorithms developed to predict the effect of sequence changes on RNA splicing suggest that this variant may create or strengthen a splice site. In summary, the available evidence is currently insufficient to determine the role of this variant in disease. Therefore, it has been classified as a Variant of Uncertain Significance.

NM_152393.4(KLHL40):c.511G>A (p.Gly171Arg)

Gene: KLHL40 (kelch like family member 40; plus strand). Cytogenetic location: 3p22.1.
Variant type: single nucleotide variant.
Coding change: c.511G>A on transcript NM_152393.4 (MANE Select); coding-DNA position 511, G replaced by A.
Protein change: p.Gly171Arg; replaces glycine 171 with arginine.
Molecular consequence: missense variant.
Genome position (GRCh38, 1-based): chr3:42,686,129, G>A. VCF-style: chr3-42686129-G-A. GRCh37 (hg19) VCF-style: chr3-42727621-G-A.
Other names: c.511G>A (NM_152393.2); short protein forms G171R.
Identifiers: ClinVar variation 567264 (VCV000567264.4), dbSNP rs199513801, ClinGen allele CA2336670.